The following is an entry in ClinVar:

NM_000426.4(LAMA2):c.4555_4592delinsTCA (p.Asn1519fs)

Gene: LAMA2 (laminin subunit alpha 2; plus strand). Cytogenetic location: 6q22.33.
Variant type: Indel.
Coding change: c.4555_4592delinsTCA on transcript NM_000426.4 (MANE Select); coding-DNA positions 4555 to 4592, the reference bases replaced by TCA.
Protein change: p.Asn1519fs; shifts the reading frame from asparagine 1519.
Molecular consequence: frameshift variant.
Genome position (GRCh38, 1-based): chr6:129,353,195-129,353,232, 38 bases replaced. GRCh37 (hg19): chr6:129,674,340-129,674,377.
Other names: c.4555_4592delinsTCA, p.Asn1519fs (NM_001079823.2); short protein forms N1519fs.
Identifiers: ClinVar variation 5004551 (VCV005004551.1).
Genomic context (GRCh38, chr6:129,353,195, plus strand): 5'-TCTTTTGCTTTGTCACTGTTTCAATTCAGGTGTGCCCCTGGCTATACTGGCAGTCCAGGC[AACCCTGGAGGCTCCTGCCAAGAATGTGAGTGTGATCC>TCA]CTATGGCTCACTGCCTGTGCCCTGTGACCCTGTCACAGGATTCTGCACGTGCCGACCTGG-3'

ClinVar aggregate classification (germline): Pathogenic (1 of 4 stars; one submission).

Conditions:
LAMA2-related muscular dystrophy (LAMA2-RD). Also called: Laminin alpha 2-related dystrophy. Identifiers: MedGen C5679788, MONDO:0100228.

Submission:

Myriad Genetics, Inc.
Classification: Pathogenic for LAMA2-related muscular dystrophy. Last evaluated: 2026-03-24. Review status: criteria provided, single submitter. Criteria: Myriad Autosomal Dominant, Autosomal Recessive and X-Linked Classification Criteria (2023). Collection method: clinical testing. Allele origin: unknown.
Comment: NM_000426.3(LAMA2):c.4555_4592del38ins3(N1519Sfs*10) is a frameshift variant classified as pathogenic in the context of muscular dystrophy, LAMA2-related. N1519Sfs*10 has not been observed in cases with relevant disease. Relevant functional assessments of this variant are not available in the literature. N1519Sfs*10 has not been observed in referenced population frequency databases. In summary, NM_000426.3(LAMA2):c.4555_4592del38ins3(N1519Sfs*10) is a frameshift variant in a gene where loss of function is a known mechanism of disease and is predicted to disrupt protein function. Please note: this variant was assessed in the context of healthy population screening.